The following is an entry in ClinVar:

ClinVar aggregate classification (germline): Uncertain significance. Review status: criteria provided, multiple submitters, no conflicts (2 of 4 stars). 2 submissions from 2 submitters: Uncertain significance (2). Last evaluated 2023-05-04.

Conditions:
Familial adenomatous polyposis 2. Also called: MUTYH Polyposis; COLORECTAL ADENOMATOUS POLYPOSIS, AUTOSOMAL RECESSIVE; ADENOMAS, MULTIPLE COLORECTAL, AUTOSOMAL RECESSIVE; MUTYH-associated polyposis; MUTYH-related attenuated familial adenomatous polyposis; Adenomas, multiple colorectal. Identifiers: Orphanet 220460, Orphanet 247798, MedGen C3272841, MONDO:0012041, OMIM 608456.

Submissions (2):

All of Us Research Program, National Institutes of Health
Classification: Uncertain significance for Familial adenomatous polyposis 2. Last evaluated: 2023-05-04. Review status: criteria provided, single submitter. Criteria: ACMG Guidelines, 2015. Collection method: clinical testing. Allele origin: germline. Inheritance: Autosomal recessive inheritance. Observed: 1 variant allele, 1 heterozygote.
Comment: This missense variant replaces threonine with isoleucine at codon 94 of the MUTYH protein. Computational prediction suggests that this variant may not impact protein structure and function (internally defined REVEL score threshold <= 0.5, PMID: 27666373). To our knowledge, functional studies have not been reported for this variant. This variant has not been reported in individuals affected with MUTYH-related disorders in the literature. This variant has not been identified in the general population by the Genome Aggregation Database (gnomAD). The available evidence is insufficient to determine the role of this variant in disease conclusively. Therefore, this variant is classified as a Variant of Uncertain Significance.

This study involves interpretation of variants in research participants for the purpose of population health screening. Participant phenotype was not available at the time of variant classification. Additional details can be found in publication PMID: 35346344, PMCID: PMC8962531

Labcorp Genetics (formerly Invitae), Labcorp
Classification: Uncertain significance for Familial adenomatous polyposis 2. Last evaluated: 2021-08-28. Review status: criteria provided, single submitter. Criteria: Invitae Variant Classification Sherloc (09022015). Collection method: clinical testing. Allele origin: germline.
Comment: This variant has not been reported in the literature in individuals affected with MUTYH-related conditions. In summary, the available evidence is currently insufficient to determine the role of this variant in disease. Therefore, it has been classified as a Variant of Uncertain Significance. Algorithms developed to predict the effect of missense changes on protein structure and function output the following: SIFT: "Tolerated"; PolyPhen-2: "Benign"; Align-GVGD: "Class C0". The isoleucine amino acid residue is found in multiple mammalian species, which suggests that this missense change does not adversely affect protein function. This variant is not present in population databases (ExAC no frequency). This sequence change replaces threonine with isoleucine at codon 94 of the MUTYH protein (p.Thr94Ile). The threonine residue is moderately conserved and there is a moderate physicochemical difference between threonine and isoleucine.

NM_001048174.2(MUTYH):c.197C>T (p.Thr66Ile)

Gene: MUTYH (mutY DNA glycosylase; minus strand). Cytogenetic location: 1p34.1.
Variant type: single nucleotide variant.
Coding change: c.197C>T on transcript NM_001048174.2 (MANE Select); coding-DNA position 197, C replaced by T.
Protein change: p.Thr66Ile; replaces threonine 66 with isoleucine.
Molecular consequence: missense variant. On other transcripts: 5 prime UTR variant (4), non-coding transcript variant (2).
Genome position (GRCh38, 1-based): chr1:45,333,480, G>A on the plus strand (C>T on the coding strand, the complement: MUTYH is on the minus strand). VCF-style: chr1-45333480-G-A. GRCh37 (hg19) VCF-style: chr1-45799152-G-A.
Other names: c.197C>T, p.Thr66Ile (NM_001048171.2, NM_001048173.2, NM_001293195.2); c.200C>T, p.Thr67Ile (NM_001048172.2); c.281C>T, p.Thr94Ile (NM_001128425.2); c.242C>T, p.Thr81Ile (NM_001293190.2); c.230C>T, p.Thr77Ile (NM_001293191.2); c.-80C>T (NM_001293192.2, NM_001293196.2); c.-75C>T (NM_001350650.2, NM_001350651.2); c.272C>T, p.Thr91Ile (NM_012222.3); short protein forms T94I, T66I, T81I, T67I, T77I, T91I.
Identifiers: ClinVar variation 533315 (VCV000533315.9), dbSNP rs1553130271, ClinGen allele CA340136460.
Genomic context (GRCh38, chr1:45,333,480, plus strand): 5'-CTCCATGGTAGGTCCCGTTTCTCTTGGTCGTACCAGCTTAGCAGGCTCCCTCGGAAGGCT[G>A]TGACTTCAGCTACGTCTCTGAATAGATGGTATGAGGAGACAGAGGCCTGCAATACCACCT-3'
Protein context (NP_001041639.1, residues 56-76): YHLFRDVAEV[Thr66Ile]AFRGSLLSWY